The following is an entry in ClinVar:

NM_001384140.1(PCDH15):c.4306C>T (p.Pro1436Ser)

Gene: PCDH15 (protocadherin related 15; minus strand). Cytogenetic location: 10q21.1.
Variant type: single nucleotide variant.
Coding change: c.4306C>T on transcript NM_001384140.1 (MANE Select); coding-DNA position 4306, C replaced by T.
Protein change: p.Pro1436Ser; replaces proline 1436 with serine.
Molecular consequence: missense variant.
Genome position (GRCh38, 1-based): chr10:53,827,454, G>A on the plus strand (C>T on the coding strand, the complement: PCDH15 is on the minus strand). VCF-style: chr10-53827454-G-A. GRCh37 (hg19) VCF-style: chr10-55587214-G-A.
Other names: c.4321C>T, p.Pro1441Ser (NM_001142763.2, NM_001142771.2); c.4306C>T, p.Pro1436Ser (NM_001142764.2, NM_001142770.3, NM_001142772.2 and 3 more transcripts); c.4093C>T, p.Pro1365Ser (NM_001142765.2); c.4297C>T, p.Pro1433Ser (NM_001142766.2); c.4186C>T, p.Pro1396Ser (NM_001142767.2); c.4240C>T, p.Pro1414Ser (NM_001142768.2, NM_001354404.2); c.4342C>T, p.Pro1448Ser (NM_001142769.4); c.4231C>T, p.Pro1411Ser (NM_001142773.2); and 1 more; short protein forms P1411S, P1448S, P1433S, P1436S, P1441S, P1365S, P1396S, P1414S.
Identifiers: ClinVar variation 1368832 (VCV001368832.6), dbSNP rs765570619, ClinGen allele CA207224757.

ClinVar aggregate classification (germline): Uncertain significance (1 of 4 stars; one submission).

gnomAD v4.1: 5 of 1,613,674 alleles (0.00031%); highest among the groups gnomAD compares: South Asian, 0.0011%; no homozygotes.

Submission:

Labcorp Genetics (formerly Invitae), Labcorp
Classification: Uncertain significance. Last evaluated: 2025-01-06. Review status: criteria provided, single submitter. Criteria: Invitae Variant Classification Sherloc (09022015). Collection method: clinical testing. Allele origin: germline.
Comment: This sequence change replaces proline, which is neutral and non-polar, with serine, which is neutral and polar, at codon 1436 of the PCDH15 protein (p.Pro1436Ser). This variant is not present in population databases (gnomAD no frequency). This variant has not been reported in the literature in individuals affected with PCDH15-related conditions. ClinVar contains an entry for this variant (Variation ID: 1368832). Invitae Evidence Modeling of protein sequence and biophysical properties (such as structural, functional, and spatial information, amino acid conservation, physicochemical variation, residue mobility, and thermodynamic stability) indicates that this missense variant is not expected to disrupt PCDH15 protein function with a negative predictive value of 95%. In summary, the available evidence is currently insufficient to determine the role of this variant in disease. Therefore, it has been classified as a Variant of Uncertain Significance.